The following is an entry in ClinVar:

NM_004526.4(MCM2):c.2093A>G (p.Asn698Ser)

Gene: MCM2 (minichromosome maintenance complex component 2; plus strand). Cytogenetic location: 3q21.3.
Variant type: single nucleotide variant.
Coding change: c.2093A>G on transcript NM_004526.4 (MANE Select); coding-DNA position 2093, A replaced by G.
Protein change: p.Asn698Ser; replaces asparagine 698 with serine.
Molecular consequence: missense variant. On other transcripts: non-coding transcript variant (1).
Genome position (GRCh38, 1-based): chr3:127,619,106, A>G. VCF-style: chr3-127619106-A-G. GRCh37 (hg19) VCF-style: chr3-127337949-A-G.
Other names: short protein forms N698S.
Identifiers: ClinVar variation 1370854 (VCV001370854.6), dbSNP rs139449344, ClinGen allele CA2596115.

ClinVar aggregate classification (germline): Uncertain significance (1 of 4 stars; one submission).

Allele frequency attached by ClinVar (database versions not stated): gnomAD exomes below 0.00001 and 0.00003; ExAC 0.00001; gnomAD 0.00001; TOPMed 0.00002; ESP Exome Variant Server 0.00008.
gnomAD v4.1: 42 of 1,613,124 alleles (0.0026%); highest among the groups gnomAD compares: Non-Finnish European, 0.0032%; no homozygotes.

Submission:

Labcorp Genetics (formerly Invitae), Labcorp
Classification: Uncertain significance. Last evaluated: 2022-10-18. Review status: criteria provided, single submitter. Criteria: Invitae Variant Classification Sherloc (09022015). Collection method: clinical testing. Allele origin: germline.
Comment: This variant has not been reported in the literature in individuals affected with MCM2-related conditions. The frequency data for this variant in the population databases is considered unreliable, as metrics indicate poor data quality at this position in the gnomAD database. This sequence change replaces asparagine, which is neutral and polar, with serine, which is neutral and polar, at codon 698 of the MCM2 protein (p.Asn698Ser). ClinVar contains an entry for this variant (Variation ID: 1370854). In summary, the available evidence is currently insufficient to determine the role of this variant in disease. Therefore, it has been classified as a Variant of Uncertain Significance. Algorithms developed to predict the effect of missense changes on protein structure and function output the following: SIFT: "Tolerated"; PolyPhen-2: "Benign"; Align-GVGD: "Class C0". The serine amino acid residue is found in multiple mammalian species, which suggests that this missense change does not adversely affect protein function.